The following is an entry in ClinVar:

ClinVar aggregate classification (germline): Likely pathogenic (1 of 4 stars; one submission).

Conditions:
Niemann-Pick disease, type A. Also called: SPHINGOMYELIN LIPIDOSIS; SPHINGOMYELINASE DEFICIENCY; Infantile Neurovisceral ASMD (Niemann-Pick Disease Type A; NPD-A). Identifiers: Orphanet 77292, MedGen C0268242, MONDO:0009756, OMIM 257200. Disease mechanism: loss of function.

Submission:

Natera, Inc.
Classification: Likely pathogenic for Niemann-Pick Disease, Types A/B. Last evaluated: 2026-01-11. Review status: criteria provided, single submitter. Criteria: Natera Variant Classification Schema (03/2026). Collection method: clinical testing. Allele origin: germline.
Comment: The c.565A>T variant in SMPD1 is a nonsense variant predicted to introduce a stop codon at amino acid 189. This variant is expected to result in nonsense mediated decay, truncation, or a dysfunctional protein product. This variant is rare in the general population with a frequency below the threshold expected for the associated phenotype(s). Given the available evidence, this variant is classified as Likely Pathogenic.

NM_000543.5(SMPD1):c.565A>T (p.Lys189Ter)

Gene: SMPD1 (sphingomyelin phosphodiesterase 1; plus strand). Cytogenetic location: 11p15.4.
Variant type: single nucleotide variant.
Coding change: c.565A>T on transcript NM_000543.5 (MANE Select); coding-DNA position 565, A replaced by T.
Protein change: p.Lys189Ter; replaces lysine 189 with a stop codon.
Molecular consequence: nonsense. On other transcripts: 5 prime UTR variant (1), non-coding transcript variant (1).
Genome position (GRCh38, 1-based): chr11:6,391,630, A>T. VCF-style: chr11-6391630-A-T. GRCh37 (hg19) VCF-style: chr11-6412860-A-T.
Other names: c.562A>T, p.Lys188Ter (NM_001007593.3); c.565A>T, p.Lys189Ter (NM_001318087.2, NM_001365135.2); c.-397A>T (NM_001318088.2); short protein forms K188*, K189*.
Identifiers: ClinVar variation 4814353 (VCV004814353.1).